The following is an entry in ClinVar:

NM_001029883.3(PCARE):c.2099G>A (p.Gly700Glu)

Gene: PCARE (photoreceptor cilium actin regulator; minus strand). Cytogenetic location: 2p23.2.
Variant type: single nucleotide variant.
Coding change: c.2099G>A on transcript NM_001029883.3 (MANE Select); coding-DNA position 2099, G replaced by A.
Protein change: p.Gly700Glu; replaces glycine 700 with glutamic acid.
Molecular consequence: missense variant.
Genome position (GRCh38, 1-based): chr2:29,072,163, C>T on the plus strand (G>A on the coding strand, the complement: PCARE is on the minus strand). VCF-style: chr2-29072163-C-T. GRCh37 (hg19) VCF-style: chr2-29295029-C-T.
Other names: short protein forms G700E.
Identifiers: ClinVar variation 2859679 (VCV002859679.3), dbSNP rs2148415854, ClinGen allele CA346478241.
Genomic context (GRCh38, chr2:29,072,163, plus strand): 5'-CAGTCTGTGGCCTTGGCAGCCTCACTGACCTCTCCTGATGGGATGGCATTTGGAAGCTTC[C>T]CAGCTTTGCCTTGTTCGTCCTCAGGATGGGGATTGCATTTCTGCAAGATGCTCTTGTCCT-3'
Protein context (NP_001025054.1, residues 690-710): PHPEDEQGKA[Gly700Glu]KLPNAIPSGE

ClinVar aggregate classification (germline): Uncertain significance (1 of 4 stars; one submission).

Submission:

Labcorp Genetics (formerly Invitae), Labcorp
Classification: Uncertain significance. Last evaluated: 2023-04-26. Review status: criteria provided, single submitter. Criteria: Invitae Variant Classification Sherloc (09022015). Collection method: clinical testing. Allele origin: germline.
Comment: In summary, the available evidence is currently insufficient to determine the role of this variant in disease. Therefore, it has been classified as a Variant of Uncertain Significance. Algorithms developed to predict the effect of missense changes on protein structure and function output the following: SIFT: "Not Available"; PolyPhen-2: "Benign"; Align-GVGD: "Not Available". The glutamic acid amino acid residue is found in multiple mammalian species, which suggests that this missense change does not adversely affect protein function. This variant has not been reported in the literature in individuals affected with PCARE-related conditions. This variant is not present in population databases (gnomAD no frequency). This sequence change replaces glycine, which is neutral and non-polar, with glutamic acid, which is acidic and polar, at codon 700 of the PCARE protein (p.Gly700Glu).